The following is an entry in ClinVar:

NM_002693.3(POLG):c.1603GAG[3] (p.Glu538del)

Gene: POLG (DNA polymerase gamma, catalytic subunit; minus strand). Cytogenetic location: 15q26.1.
Variant type: Microsatellite.
Coding change: c.1603GAG[3] on transcript NM_002693.3 (MANE Select); three copies in a row of the 3-base unit GAG starting at c.1603; the reference has four copies in a row; one copy, 3 bases deleted.
Protein change: p.Glu538del; deletes glutamic acid 538.
Molecular consequence: inframe deletion.
Genome position (GRCh38, 1-based): chr15:89,326,710-89,326,712, CTC deleted on the plus strand (GAG on the coding strand, the reverse complement: POLG is on the minus strand); deleting any 3 consecutive bases within chr15:89,326,710-89,326,721 gives the same sequence; the position shown is the placement nearest the transcript's 3' end. VCF-style (leftmost placement, unchanged base first): chr15-89326709-ACTC-A. GRCh37 (hg19) VCF-style: chr15-89869940-ACTC-A.
Other names: c.1603GAG[3], p.Glu538del (NM_001126131.2); short protein forms E538del.
Identifiers: ClinVar variation 1424565 (VCV001424565.6), dbSNP rs1304341853, ClinGen allele CA619514726.

ClinVar aggregate classification (germline): Uncertain significance (1 of 4 stars; one submission).

Conditions:
Progressive sclerosing poliodystrophy (MTDPS4A). Also called: ALPERS PROGRESSIVE INFANTILE POLIODYSTROPHY; NEURONAL DEGENERATION OF CHILDHOOD WITH LIVER DISEASE, PROGRESSIVE; Alpers Syndrome; ALPERS DIFFUSE DEGENERATION OF CEREBRAL GRAY MATTER WITH HEPATIC CIRRHOSIS; Alpers-Huttenlocher Syndrome; Mitochondrial DNA depletion syndrome 4A (Alpers type). Identifiers: Orphanet 726, MedGen C0205710, MONDO:0008758, OMIM 203700.

Submission:

Labcorp Genetics (formerly Invitae), Labcorp
Classification: Uncertain significance for Progressive sclerosing poliodystrophy. Last evaluated: 2022-07-16. Review status: criteria provided, single submitter. Criteria: Invitae Variant Classification Sherloc (09022015). Collection method: clinical testing. Allele origin: germline.
Comment: In summary, the available evidence is currently insufficient to determine the role of this variant in disease. Therefore, it has been classified as a Variant of Uncertain Significance. Experimental studies and prediction algorithms are not available or were not evaluated, and the functional significance of this variant is currently unknown. This variant has not been reported in the literature in individuals affected with POLG-related conditions. This variant is present in population databases (no rsID available, gnomAD 0.009%). This variant, c.1612_1614del, results in the deletion of 1 amino acid(s) of the POLG protein (p.Glu538del), but otherwise preserves the integrity of the reading frame.